The following is an entry in ClinVar:

NM_003072.5(SMARCA4):c.2064G>T (p.Lys688Asn)

Gene: SMARCA4 (SWI/SNF related BAF chromatin remodeling complex subunit ATPase 4; plus strand). Cytogenetic location: 19p13.2.
Variant type: single nucleotide variant.
Coding change: c.2064G>T on transcript NM_003072.5 (MANE Select); coding-DNA position 2064, G replaced by T.
Protein change: p.Lys688Asn; replaces lysine 688 with asparagine.
Molecular consequence: missense variant. On other transcripts: non-coding transcript variant (1).
Genome position (GRCh38, 1-based): chr19:11,007,964, G>T. VCF-style: chr19-11007964-G-T. GRCh37 (hg19) VCF-style: chr19-11118640-G-T.
Other names: c.2064G>T, p.Lys688Asn (NM_001128844.3, NM_001128845.2, NM_001128846.2 and 6 more transcripts); short protein forms K688N.
Identifiers: ClinVar variation 3958441 (VCV003958441.1).

ClinVar aggregate classification (germline): Uncertain significance (1 of 4 stars; one submission).

Conditions:
Hereditary cancer-predisposing syndrome. Also called: Tumor predisposition; Hereditary neoplastic syndrome; Hereditary Cancer Syndrome; Neoplastic Syndromes, Hereditary. Identifiers: Orphanet 140162, MedGen C0027672, MeSH D009386, MONDO:0015356.

Submission:

Ambry Genetics
Classification: Uncertain significance for Hereditary cancer-predisposing syndrome. Last evaluated: 2025-04-16. Review status: criteria provided, single submitter. Criteria: Ambry Variant Classification Scheme 2023. Collection method: clinical testing. Allele origin: germline.
Comment: The p.K688N variant (also known as c.2064G>T), located in coding exon 13 of the SMARCA4 gene, results from a G to T substitution at nucleotide position 2064. The lysine at codon 688 is replaced by asparagine, an amino acid with similar properties. This amino acid position is conserved. In addition, the in silico prediction for this alteration is inconclusive. Based on the available evidence, the clinical significance of this variant remains unclear.